The following is an entry in ClinVar:

ClinVar aggregate classification (germline): Benign/Likely benign. Review status: criteria provided, multiple submitters, no conflicts (2 of 4 stars). 2 submissions from 2 submitters: Benign (1); Likely benign (1). Last evaluated 2025-02-16.

Conditions:
Leigh syndrome (NULS). Also called: Leigh's necrotizing encephalopathy; Leigh's disease; Leigh's syndrome; LEIGH SYNDROME, NUCLEAR; Leigh Syndrome (mtDNA deletion); Leigh Disease. Identifiers: Orphanet 506, MedGen C2931891, MONDO:0009723, OMIM 256000.

Submissions (2):

Laboratory of Genetics, Children's Clinical University Hospital Latvia
Classification: Likely benign. Last evaluated: 2025-02-16. Review status: criteria provided, single submitter. Criteria: ACMG Guidelines, 2015. Collection method: clinical testing. Allele origin: germline. Affected: yes.

Wong Mito Lab, Molecular and Human Genetics, Baylor College of Medicine
Classification: Benign for Leigh syndrome. Last evaluated: 2019-10-17. Review status: criteria provided, single submitter. Criteria: Modified ACMG Guidelines (Unpublished). Collection method: clinical testing. Allele origin: germline.
Comment: The NC_012920.1:m.15693T>C (YP_003024038.1:p.Met316Thr) variant in MTCYB gene is interpretated to be a Benign variant based on the modified ACMG guidelines (unpublished). This variant meets the following evidence codes: BA1

NC_012920.1(MT-CYB):m.15693T>C

Gene: MT-CYB (mitochondrially encoded cytochrome b; plus strand).
Variant type: single nucleotide variant.
Genome position: chrM-15693-T-C.
Identifiers: ClinVar variation 693935 (VCV000693935.2), dbSNP rs200975632, ClinGen allele CA337100491.